The following is an entry in ClinVar:

NM_015178.3(RHOBTB2):c.433C>T (p.Arg145Cys)

Gene: RHOBTB2 (Rho related BTB domain containing 2; plus strand). Cytogenetic location: 8p21.3.
Variant type: single nucleotide variant.
Coding change: c.433C>T on transcript NM_015178.3 (MANE Select); coding-DNA position 433, C replaced by T.
Protein change: p.Arg145Cys; replaces arginine 145 with cysteine.
Molecular consequence: missense variant.
Genome position (GRCh38, 1-based): chr8:23,006,096, C>T. VCF-style: chr8-23006096-C-T. GRCh37 (hg19) VCF-style: chr8-22863609-C-T.
Other names: c.499C>T, p.Arg167Cys (NM_001160036.2); c.454C>T, p.Arg152Cys (NM_001160037.2); c.433C>T, p.Arg145Cys (NM_001374791.1); short protein forms R152C, R145C, R167C.
Identifiers: ClinVar variation 2791176 (VCV002791176.3), dbSNP rs1343686156, ClinGen allele CA370561509.

ClinVar aggregate classification (germline): Uncertain significance (1 of 4 stars; one submission).

Submission:

Labcorp Genetics (formerly Invitae), Labcorp
Classification: Uncertain significance. Last evaluated: 2023-02-06. Review status: criteria provided, single submitter. Criteria: Invitae Variant Classification Sherloc (09022015). Collection method: clinical testing. Allele origin: germline.
Comment: In summary, the available evidence is currently insufficient to determine the role of this variant in disease. Therefore, it has been classified as a Variant of Uncertain Significance. Advanced modeling of protein sequence and biophysical properties (such as structural, functional, and spatial information, amino acid conservation, physicochemical variation, residue mobility, and thermodynamic stability) has been performed at Invitae for this missense variant, however the output from this modeling did not meet the statistical confidence thresholds required to predict the impact of this variant on RHOBTB2 protein function. This variant has not been reported in the literature in individuals affected with RHOBTB2-related conditions. This variant is present in population databases (no rsID available, gnomAD 0.003%). This sequence change replaces arginine, which is basic and polar, with cysteine, which is neutral and slightly polar, at codon 167 of the RHOBTB2 protein (p.Arg167Cys).